The following is an entry in ClinVar:

NM_032160.3(DSEL):c.577A>C (p.Arg193=)

Gene: DSEL (dermatan sulfate epimerase like; minus strand). Cytogenetic location: 18q22.1.
Variant type: single nucleotide variant.
Coding change: c.577A>C on transcript NM_032160.3 (MANE Select); coding-DNA position 577, A replaced by C.
Protein change: p.Arg193=; no amino-acid change (arginine 193 retained).
Molecular consequence: synonymous variant.
Genome position (GRCh38, 1-based): chr18:67,514,032, T>G on the plus strand (A>C on the coding strand, the complement: DSEL is on the minus strand). VCF-style: chr18-67514032-T-G. GRCh37 (hg19) VCF-style: chr18-65181269-T-G.
Identifiers: ClinVar variation 2648797 (VCV002648797.24), dbSNP rs143469336, ClinGen allele CA8992780.
Genomic context (GRCh38, chr18:67,514,032, plus strand): 5'-CCTTGGAATACTCGTACATTTCCTCAGTAATAACCCATATTTTTTCCAGGTATTTTTGTC[T>G]TCGATGATTATCTAATAAGTTATATAAAAAGTCAAAGGCAGTGGCAAAACCTGTTAAGGA-3'
Protein context (NP_115536.2, residues 183-203): FLYNLLDNHR[Arg193=]QKYLEKIWVI

ClinVar aggregate classification (germline): Likely benign (1 of 4 stars; one submission).

Allele frequency attached by ClinVar (database versions not stated): 1000 Genomes Project 30x 0.00281; 1000 Genomes Project 0.00300; ESP Exome Variant Server 0.00492.

Submission:

CeGaT Center for Human Genetics Tuebingen
Classification: Likely benign. Last evaluated: 2022-07-01. Review status: criteria provided, single submitter. Criteria: CeGaT Center For Human Genetics Tuebingen Variant Classification Criteria Version 2. Collection method: clinical testing. Allele origin: germline. Affected: yes. Observed: 1 variant allele.
Comment: DSEL: BP4, BP7